The following is an entry in ClinVar:

NM_001127511.3(APC):c.-130G>A

Gene: APC (APC regulator of Wnt signaling pathway; plus strand). Cytogenetic location: 5q22.2.
Variant type: single nucleotide variant.
Coding change: c.-130G>A on transcript NM_001127511.3; 130 bases upstream of the start codon, G replaced by A.
Molecular consequence: 5 prime UTR variant. On other transcripts: non-coding transcript variant (2).
Genome position (GRCh38, 1-based): chr5:112,707,588, G>A. VCF-style: chr5-112707588-G-A. GRCh37 (hg19) VCF-style: chr5-112043285-G-A.
Other names: c.-313G>A (NM_001354895.2, NM_001407447.1, NM_001407452.1 and 3 more transcripts); c.-130G>A (NM_001354897.2, NM_001354902.2, NM_001407446.1); c.-80G>A (NM_001407448.1, NM_001407450.1, NM_001407457.1 and 1 more transcripts); c.-104G>A (NM_001407453.1); c.-1348G>A (NM_001407470.1, NM_001407472.1).
Identifiers: ClinVar variation 1007146 (VCV001007146.8), dbSNP rs1056513509, ClinGen allele CA124924966.

ClinVar aggregate classification (germline): Conflicting classifications of pathogenicity. Review status: criteria provided, conflicting classifications (1 of 4 stars). 2 submissions from 2 submitters: Uncertain significance (1); Likely benign (1). Last evaluated 2025-11-16.

Conditions:
Familial adenomatous polyposis 1 (FAP1). Also called: FAMILIAL ADENOMATOUS POLYPOSIS 1, ATTENUATED; POLYPOSIS, ADENOMATOUS INTESTINAL. Identifiers: MedGen C2713442, MONDO:0021056, OMIM 175100. Disease mechanism: loss of function.
APC-related disorder. Also called: APC-related condition.

Submissions (2):

Labcorp Genetics (formerly Invitae), Labcorp
Classification: Uncertain significance for Familial adenomatous polyposis 1. Last evaluated: 2025-11-16. Review status: criteria provided, single submitter. Criteria: Invitae Variant Classification Sherloc (09022015). Collection method: clinical testing. Allele origin: germline.
Comment: This variant occurs in a non-coding region of the APC gene. It does not change the encoded amino acid sequence of the APC protein. This variant is present in population databases (no rsID available, gnomAD 0.01%). This variant has not been reported in the literature in individuals affected with APC-related conditions. Experimental studies and prediction algorithms are not available or were not evaluated, and the functional significance of this variant is currently unknown. In summary, the available evidence is currently insufficient to determine the role of this variant in disease. Therefore, it has been classified as a Variant of Uncertain Significance.

PreventionGenetics, part of Exact Sciences
Classification: Likely benign for APC-related condition. Last evaluated: 2024-10-17. Review status: criteria provided, single submitter. Criteria: ACMG Guidelines, 2015. Collection method: clinical testing. Allele origin: germline.
Comment: This variant is classified as likely benign based on ACMG/AMP sequence variant interpretation guidelines (Richards et al. 2015 PMID: 25741868, with internal and published modifications).